The following is an entry in ClinVar:

ClinVar aggregate classification (germline): Uncertain significance. Review status: criteria provided, multiple submitters, no conflicts (2 of 4 stars). 2 submissions from 2 submitters: Uncertain significance (2). Last evaluated 2025-09-23.

Conditions:
Inborn genetic diseases. Identifiers: MedGen C0950123, MeSH D030342.

Submissions (2):

Labcorp Genetics (formerly Invitae), Labcorp
Classification: Uncertain significance. Last evaluated: 2025-09-23. Review status: criteria provided, single submitter. Criteria: Invitae Variant Classification Sherloc (09022015). Collection method: clinical testing. Allele origin: germline.
Comment: This sequence change replaces asparagine, which is neutral and polar, with lysine, which is basic and polar, at codon 3899 of the VPS13D protein (p.Asn3899Lys). This variant is present in population databases (rs774547109, gnomAD 0.009%). This variant has not been reported in the literature in individuals affected with VPS13D-related conditions. ClinVar contains an entry for this variant (Variation ID: 3979964). Invitae Evidence Modeling of protein sequence and biophysical properties (such as structural, functional, and spatial information, amino acid conservation, physicochemical variation, residue mobility, and thermodynamic stability) indicates that this missense variant is not expected to disrupt VPS13D protein function with a negative predictive value of 80%. In summary, the available evidence is currently insufficient to determine the role of this variant in disease. Therefore, it has been classified as a Variant of Uncertain Significance.

Ambry Genetics
Classification: Uncertain significance for Inborn genetic diseases. Last evaluated: 2025-06-06. Review status: criteria provided, single submitter. Criteria: Ambry Variant Classification Scheme 2023. Collection method: clinical testing. Allele origin: germline.

NM_015378.4(VPS13D):c.11697T>A (p.Asn3899Lys)

Gene: VPS13D (vacuolar protein sorting 13 homolog D; plus strand). Cytogenetic location: 1p36.22.
Variant type: single nucleotide variant.
Coding change: c.11697T>A on transcript NM_015378.4 (MANE Select); coding-DNA position 11697, T replaced by A.
Protein change: p.Asn3899Lys; replaces asparagine 3899 with lysine.
Molecular consequence: missense variant.
Genome position (GRCh38, 1-based): chr1:12,400,243, T>A. VCF-style: chr1-12400243-T-A. GRCh37 (hg19) VCF-style: chr1-12460300-T-A.
Other names: c.11622T>A, p.Asn3874Lys (NM_018156.4); short protein forms N3874K, N3899K.
Identifiers: ClinVar variation 3979964 (VCV003979964.2).